The following is an entry in ClinVar:

ClinVar aggregate classification (germline): other (0 of 4 stars; one submission).

Conditions:
Familial colorectal cancer. Identifiers: MedGen CN280943, MONDO:0023113. Disease mechanism: loss of function.

Submission:

Systems Biology Platform Zhejiang California International NanoSystems Institute
Classification: other for Familial colorectal cancer. Review status: no assertion criteria provided. Collection method: not provided. Allele origin: unknown.
ClinVar note: Converted during submission from cancer to other.

NM_001127511.3(APC):c.165+21162T>C

Gene: APC (APC regulator of Wnt signaling pathway; plus strand). Cytogenetic location: 5q22.2.
Variant type: single nucleotide variant.
Coding change: c.165+21162T>C on transcript NM_001127511.3; 21162 bases into the intron after coding-DNA position 165, T replaced by C.
Molecular consequence: intron variant.
Genome position (GRCh38, 1-based): chr5:112,729,044, T>C. VCF-style: chr5-112729044-T-C. GRCh37 (hg19) VCF-style: chr5-112064741-T-C.
Other names: c.-1054+21162T>C (NM_001407470.1, NM_001407472.1); c.-19+21162T>C (NM_001407447.1, NM_001354895.2, NM_001407456.1 and 3 more transcripts); c.165+21162T>C (NM_001407446.1, NM_001354897.2, NM_001354902.2); c.-19+21395T>C (NM_001407448.1, NM_001407450.1, NM_001407457.1 and 1 more transcripts); c.-43+21395T>C (NM_001407453.1).
Identifiers: ClinVar variation 82297 (VCV000082297.4), dbSNP rs74841539, ClinGen allele CA023521.
Genomic context (GRCh38, chr5:112,729,044, plus strand): 5'-AGTCTAGTTCTGTTACTACTTTCTCTCTGAAATCTTTTTTGATTACCTAGCTGGAAACGA[T>C]CTAATCTCCCATTCTTTAACAGTACATTCCCTTGTATTAAAACTTCTTCTGTAAATGTCT-3'